The following is an entry in ClinVar:

ClinVar aggregate classification (germline): Uncertain significance (1 of 4 stars; one submission).

Conditions:
Autosomal recessive nonsyndromic hearing loss 3. Also called: NEUROSENSORY NONSYNDROMIC RECESSIVE DEAFNESS 3. Identifiers: Orphanet 90636, MedGen C1838263, MONDO:0010860, OMIM 600316.

Submission:

3billion
Classification: Uncertain significance for Autosomal recessive nonsyndromic hearing loss 3. Last evaluated: 2022-05-22. Review status: criteria provided, single submitter. Criteria: ACMG Guidelines, 2015. Collection method: clinical testing. Allele origin: germline. Affected: yes. Observed: 1 heterozygote.
Comment: The variant is not observed in the gnomAD v2.1.1 dataset. In silico tool predictions suggest damaging effect of the variant on gene or gene product (REVEL: 0.66; 3Cnet: 0.88). Therefore, this variant is classified as uncertain significanceaccording to the recommendation of ACMG/AMP guideline.

NM_016239.4(MYO15A):c.3928T>G (p.Cys1310Gly)

Gene: MYO15A (myosin XVA; plus strand). Cytogenetic location: 17p11.2.
Variant type: single nucleotide variant.
Coding change: c.3928T>G on transcript NM_016239.4 (MANE Select); coding-DNA position 3928, T replaced by G.
Protein change: p.Cys1310Gly; replaces cysteine 1310 with glycine.
Molecular consequence: missense variant.
Genome position (GRCh38, 1-based): chr17:18,126,852, T>G. VCF-style: chr17-18126852-T-G. GRCh37 (hg19) VCF-style: chr17-18030166-T-G.
Other names: short protein forms C1310G.
Identifiers: ClinVar variation 1687480 (VCV001687480.1), dbSNP rs2142282291, ClinGen allele CA398590642.